The following is an entry in ClinVar:

ClinVar aggregate classification (germline): Uncertain significance. Review status: criteria provided, single submitter (1 of 4 stars). 2 submissions from 2 submitters: Uncertain significance (1). 1 of the submissions does not count toward it. Last evaluated 2021-08-24.

Conditions:
Glycine encephalopathy. Also called: Non-ketotic hyperglycinemia; Nonketotic hyperglycinemia. Identifiers: Orphanet 407, MedGen C0751748, MONDO:0011612, HP:0008288.

Allele frequency attached by ClinVar (database versions not stated): gnomAD 0.00001; gnomAD exomes 0.00001 and 0.00003.
gnomAD v4.1: 17 of 1,612,654 alleles (0.0011%); highest among the groups gnomAD compares: African/African-American, 0.0013%; 1 homozygote.

Submissions (2):

Labcorp Genetics (formerly Invitae), Labcorp
Classification: Uncertain significance for Glycine encephalopathy. Last evaluated: 2021-08-24. Review status: criteria provided, single submitter. Criteria: Invitae Variant Classification Sherloc (09022015). Collection method: clinical testing. Allele origin: germline.
Comment: This sequence change replaces proline with alanine at codon 778 of the GLDC protein (p.Pro778Ala). The proline residue is highly conserved and there is a small physicochemical difference between proline and alanine. This variant is not present in population databases (ExAC no frequency). This variant has not been reported in the literature in individuals affected with GLDC-related conditions. Algorithms developed to predict the effect of missense changes on protein structure and function are either unavailable or do not agree on the potential impact of this missense change (SIFT: "Deleterious"; PolyPhen-2: "Probably Damaging"; Align-GVGD: "Class C0"). In summary, the available evidence is currently insufficient to determine the role of this variant in disease. Therefore, it has been classified as a Variant of Uncertain Significance.

Natera, Inc.
Classification: Uncertain significance for Non-ketotic hyperglycinemia. Last evaluated: 2019-10-28. Review status: no assertion criteria provided. Collection method: clinical testing. Allele origin: germline. Not counted in ClinVar's aggregate classification.

NM_000170.3(GLDC):c.2332C>G (p.Pro778Ala)

Gene: GLDC (glycine decarboxylase; minus strand). Cytogenetic location: 9p24.1.
Variant type: single nucleotide variant.
Coding change: c.2332C>G on transcript NM_000170.3 (MANE Select); coding-DNA position 2332, C replaced by G.
Protein change: p.Pro778Ala; replaces proline 778 with alanine.
Molecular consequence: missense variant.
Genome position (GRCh38, 1-based): chr9:6,553,493, G>C on the plus strand (C>G on the coding strand, the complement: GLDC is on the minus strand). VCF-style: chr9-6553493-G-C. GRCh37 (hg19) VCF-style: chr9-6553493-G-C.
Other names: short protein forms P778A.
Identifiers: ClinVar variation 576417 (VCV000576417.6), dbSNP rs1476838990, ClinGen allele CA372879014.
Genomic context (GRCh38, chr9:6,553,493, plus strand): 5'-CCACAGGACAGGCATCCTCATTCCGCTTTAGTGAAATGACGGGATGATTGGGCAAAAACG[G>C]GGCGAGATGTTTCTTCCTGTATTTTTTTTAAGTGCAAATTCAGAAAATGTAAACGATTCA-3'
Protein context (NP_000161.2, residues 768-788): GPIGVKKHLA[Pro778Ala]FLPNHPVISL